The following is an entry in ClinVar:

NM_021942.6(TRAPPC11):c.1391A>G (p.Tyr464Cys)

Gene: TRAPPC11 (trafficking protein particle complex subunit 11; plus strand). Cytogenetic location: 4q35.1.
Variant type: single nucleotide variant.
Coding change: c.1391A>G on transcript NM_021942.6 (MANE Select); coding-DNA position 1391, A replaced by G.
Protein change: p.Tyr464Cys; replaces tyrosine 464 with cysteine.
Molecular consequence: missense variant.
Genome position (GRCh38, 1-based): chr4:183,684,329, A>G. VCF-style: chr4-183684329-A-G. GRCh37 (hg19) VCF-style: chr4-184605482-A-G.
Other names: c.1391A>G, p.Tyr464Cys (NM_199053.3); c.1391A>G (NM_021942.4); short protein forms Y464C.
Identifiers: ClinVar variation 969790 (VCV000969790.8), dbSNP rs1258652109, ClinGen allele CA358866884.

ClinVar aggregate classification (germline): Uncertain significance. Review status: criteria provided, multiple submitters, no conflicts (2 of 4 stars). 2 submissions from 2 submitters: Uncertain significance (2). Last evaluated 2024-11-11.

Conditions:
Autosomal recessive limb-girdle muscular dystrophy type R18 (LGMDR18). Also called: Autosomal recessive limb-girdle muscular dystrophy type 2S; Limb-girdle muscular dystrophy, type 2S; MUSCULAR DYSTROPHY, LIMB-GIRDLE, AUTOSOMAL RECESSIVE 18. Identifiers: Orphanet 369840, MedGen C4517996, MONDO:0014144, OMIM 615356.
Inborn genetic diseases. Identifiers: MedGen C0950123, MeSH D030342.

Allele frequency attached by ClinVar (database versions not stated): gnomAD exomes below 0.00001; gnomAD 0.00001; TOPMed 0.00001.
gnomAD v4.1: 6 of 1,613,724 alleles (0.00037%); highest among the groups gnomAD compares: East Asian, 0.0067%; no homozygotes.

Submissions (2):

Ambry Genetics
Classification: Uncertain significance for Inborn genetic diseases. Last evaluated: 2024-11-11. Review status: criteria provided, single submitter. Criteria: Ambry Variant Classification Scheme 2023. Collection method: clinical testing. Allele origin: germline.

Labcorp Genetics (formerly Invitae), Labcorp
Classification: Uncertain significance for Autosomal recessive limb-girdle muscular dystrophy type R18. Last evaluated: 2021-08-28. Review status: criteria provided, single submitter. Criteria: Invitae Variant Classification Sherloc (09022015). Collection method: clinical testing. Allele origin: germline.
Comment: This sequence change replaces tyrosine with cysteine at codon 464 of the TRAPPC11 protein (p.Tyr464Cys). The tyrosine residue is highly conserved and there is a large physicochemical difference between tyrosine and cysteine. This variant is not present in population databases (ExAC no frequency). This variant has not been reported in the literature in individuals affected with TRAPPC11-related conditions. Algorithms developed to predict the effect of missense changes on protein structure and function (SIFT, PolyPhen-2, Align-GVGD) all suggest that this variant is likely to be disruptive. In summary, the available evidence is currently insufficient to determine the role of this variant in disease. Therefore, it has been classified as a Variant of Uncertain Significance.